The following is an entry in ClinVar:

ClinVar aggregate classification (germline): Likely benign (1 of 4 stars; one submission).

Conditions:
Stuve-Wiedemann syndrome (STWS). Also called: Stüve-Wiedemann syndrome. Identifiers: Orphanet 3206, MedGen C0796176, MONDO:0031280.

Allele frequency attached by ClinVar (database versions not stated): gnomAD exomes 0.00044; 1000 Genomes Project 0.00280; gnomAD 0.00280 and 0.00295; 1000 Genomes Project 30x 0.00281; TOPMed 0.00312.
gnomAD v4.1: 461 of 231,718 alleles (0.2%); highest among the groups gnomAD compares: African/African-American, 0.94%; 2 homozygotes.

Submission:

Illumina Laboratory Services, Illumina
Classification: Likely benign for Stüve-Wiedemann syndrome 1. Last evaluated: 2018-01-13. Review status: criteria provided, single submitter. Criteria: ICSL Variant Classification Criteria 13 December 2019. Collection method: clinical testing. Allele origin: germline.
Comment: This variant was observed in the ICSL laboratory as part of a predisposition screen in an ostensibly healthy population. It had not been previously curated by ICSL or reported in the Human Gene Mutation Database (HGMD: prior to June 1st, 2018), and was therefore a candidate for classification through an automated scoring system. Utilizing variant allele frequency, disease prevalence and penetrance estimates, and inheritance mode, an automated score was calculated to assess if this variant is too frequent to cause the disease. Based on the score and internal cut-off values, a variant classified as likely benign is not then subjected to further curation. The score for this variant resulted in a classification of likely benign for this disease.

NM_001127671.2(LIFR):c.*2567G>A

Gene: LIFR (LIF receptor subunit alpha; minus strand). Cytogenetic location: 5p13.1.
Variant type: single nucleotide variant.
Coding change: c.*2567G>A on transcript NM_001127671.2 (MANE Select); 2567 bases downstream of the stop codon, G replaced by A.
Molecular consequence: 3 prime UTR variant.
Genome position (GRCh38, 1-based): chr5:38,479,028, C>T on the plus strand (G>A on the coding strand, the complement: LIFR is on the minus strand). VCF-style: chr5-38479028-C-T. GRCh37 (hg19) VCF-style: chr5-38479130-C-T.
Other names: c.*2567G>A (NM_001364297.2, NM_001364298.2, NM_002310.6).
Identifiers: ClinVar variation 353570 (VCV000353570.5), dbSNP rs112458059, ClinGen allele CA10621841.